The following is an entry in ClinVar:

NC_000006.11:g.(?_76527265)_(76545693_?)del

Gene: MYO6 (myosin VI; plus strand). Cytogenetic location: 6q14.1.
Variant type: Deletion.
Identifiers: ClinVar variation 3246189 (VCV003246189.1).

ClinVar aggregate classification (germline): Pathogenic (1 of 4 stars; one submission).

Submission:

Labcorp Genetics (formerly Invitae), Labcorp
Classification: Pathogenic. Last evaluated: 2023-12-24. Review status: criteria provided, single submitter. Criteria: Invitae Variant Classification Sherloc (09022015). Collection method: clinical testing. Allele origin: unknown.
Comment: This variant is a gross deletion of the genomic region encompassing exon(s) 2-7 of the MYO6 gene, which includes the initiator codon. This deletion extends beyond the assayed region for this gene and therefore may encompass additional genes. It is expected to result in an absent or disrupted protein product. Loss-of-function variants in MYO6 are known to be pathogenic (PMID: 12687499, 18348273, 23767834, 25999546, 30582396). This variant has not been reported in the literature in individuals affected with MYO6-related conditions. For these reasons, this variant has been classified as Pathogenic.

Literature cited by the submitters: PubMed 12687499; PubMed 18348273; PubMed 23767834; PubMed 25999546; PubMed 30582396.